The following is an entry in ClinVar:

ClinVar aggregate classification (germline): Pathogenic (1 of 4 stars; one submission).

Conditions:
Methylmalonic acidemia (MMA). Also called: Isolated Methylmalonic Acidemia. Identifiers: MedGen C0268583, MeSH C537358, MONDO:0002012, HP:0002912.

Submission:

Women's Health and Genetics/Laboratory Corporation of America, LabCorp
Classification: Pathogenic for Methylmalonic acidemia. Last evaluated: 2024-02-01. Review status: criteria provided, single submitter. Criteria: LabCorp Variant Classification Summary - May 2015. Collection method: clinical testing. Allele origin: germline.
Comment: Variant summary: The variant involves the deletion of exons 1-2 in the MUT gene. A presumed nomenclature of c.(?_-191)_(385+1_386-1)del has been designated for the purposes of this classification. The exact breakpoint at the 5' end of this variant is unknown, therefore this deletion may extend upstream of the annotated region of this gene. Although the exact breakpoints of this deletion are not known, it is predicted to remove the initiation codon and result in an absence of protein or a truncation of the encoded protein due to translation initiation at a downstream site. The variant was absent in 123,614 control chromosomes in the gnomAD database (Structural Variants v4.0 dataset). To our knowledge, no occurrence of c.(?_-191)_(385+1_386-1)del in individuals affected with Methylmalonic Acidemia and no experimental evidence demonstrating its impact on protein function have been reported. No submitters have cited clinical-significance assessments for this variant to ClinVar. Based on the evidence outlined above, the variant was classified as pathogenic.

NC_000006.11:g.(49425772_49426794)_(49430967_?)del

Gene: MMUT (methylmalonyl-CoA mutase; minus strand). Cytogenetic location: 6p12.3.
Variant type: Deletion.
Identifiers: ClinVar variation 3068856 (VCV003068856.1).